The following is an entry in ClinVar:

ClinVar aggregate classification (germline): Uncertain significance. Review status: criteria provided, multiple submitters, no conflicts (2 of 4 stars). 3 submissions from 3 submitters: Uncertain significance (3). Last evaluated 2025-10-01.

Conditions:
Hypogonadotropic hypogonadism 3 with or without anosmia (HH3). Also called: HYPOGONADOTROPIC HYPOGONADISM 3 WITH ANOSMIA; PROKR2-Related GnRH Deficiency (Kallmann Syndrome 3). Identifiers: Orphanet 478, MedGen C3550478, MONDO:0009482, OMIM 244200.
PROKR2-related disorder. Also called: PROKR2-related condition.

Submissions (3):

PreventionGenetics, part of Exact Sciences
Classification: Uncertain significance for PROKR2-related condition. Last evaluated: 2025-10-01. Review status: criteria provided, single submitter. Criteria: ACMG Guidelines, 2015. Collection method: clinical testing. Allele origin: germline.
Comment: The PROKR2 c.796C>T variant is predicted to result in the amino acid substitution p.Arg266Trp. To our knowledge, this variant has not been reported in individuals with PROKR2-related disorders in the literature. The results of in vitro experimental studies of this variant are inconclusive. Protein expression levels were comparable to wild type. When tested alone, this variant caused loss of function across all three signaling pathways. When co-transfected with wild type, two out of three pathways showed partial loss of function (Table S2, Cox et al. 2018. PubMed ID: 29161432). This variant is reported in 0.012% of alleles in individuals of African descent in gnomAD. At this time, the clinical significance of this variant is uncertain due to the absence of conclusive functional and genetic evidence.

Labcorp Genetics (formerly Invitae), Labcorp
Classification: Uncertain significance. Last evaluated: 2025-05-08. Review status: criteria provided, single submitter. Criteria: Invitae Variant Classification Sherloc (09022015). Collection method: clinical testing. Allele origin: germline.
Comment: This sequence change replaces arginine, which is basic and polar, with tryptophan, which is neutral and slightly polar, at codon 266 of the PROKR2 protein (p.Arg266Trp). This variant is present in population databases (rs146729363, gnomAD 0.007%). This variant has not been reported in the literature in individuals affected with PROKR2-related conditions. ClinVar contains an entry for this variant (Variation ID: 3587514). Invitae Evidence Modeling of protein sequence and biophysical properties (such as structural, functional, and spatial information, amino acid conservation, physicochemical variation, residue mobility, and thermodynamic stability) has been performed for this missense variant. However, the output from this modeling did not meet the statistical confidence thresholds required to predict the impact of this variant on PROKR2 protein function. Experimental studies have shown that this missense change affects PROKR2 function (PMID: 29161432). In summary, the available evidence is currently insufficient to determine the role of this variant in disease. Therefore, it has been classified as a Variant of Uncertain Significance.

Fulgent Genetics
Classification: Uncertain significance for Hypogonadotropic hypogonadism 3 with or without anosmia. Last evaluated: 2024-03-27. Review status: criteria provided, single submitter. Criteria: ACMG Guidelines, 2015. Collection method: clinical testing. Allele origin: germline.

Literature cited by the submitters: PubMed 29161432 (cited by Labcorp Genetics (formerly Invitae), Labcorp).

NM_144773.4(PROKR2):c.796C>T (p.Arg266Trp)

Gene: PROKR2 (prokineticin receptor 2; minus strand). Cytogenetic location: 20p12.3.
Variant type: single nucleotide variant.
Coding change: c.796C>T on transcript NM_144773.4 (MANE Select); coding-DNA position 796, C replaced by T.
Protein change: p.Arg266Trp; replaces arginine 266 with tryptophan.
Molecular consequence: missense variant.
Genome position (GRCh38, 1-based): chr20:5,302,399, G>A on the plus strand (C>T on the coding strand, the complement: PROKR2 is on the minus strand). VCF-style: chr20-5302399-G-A. GRCh37 (hg19) VCF-style: chr20-5283045-G-A.
Other names: short protein forms R266W.
Identifiers: ClinVar variation 3587514 (VCV003587514.3).